The following is an entry in ClinVar:

NM_032153.6(ZIC4):c.127T>G (p.Phe43Val)

Gene: ZIC4 (Zic family zinc finger 4; minus strand). Cytogenetic location: 3q24.
Variant type: single nucleotide variant.
Coding change: c.127T>G on transcript NM_032153.6 (MANE Select); coding-DNA position 127, T replaced by G.
Protein change: p.Phe43Val; replaces phenylalanine 43 with valine.
Molecular consequence: missense variant. On other transcripts: intron variant (1).
Genome position (GRCh38, 1-based): chr3:147,396,413, A>C on the plus strand (T>G on the coding strand, the complement: ZIC4 is on the minus strand). VCF-style: chr3-147396413-A-C. GRCh37 (hg19) VCF-style: chr3-147114200-A-C.
Other names: c.277T>G, p.Phe93Val (NM_001168378.1); c.241T>G, p.Phe81Val (NM_001168379.2); c.71-5167T>G (NM_001243256.2); short protein forms F43V, F93V, F81V.
Identifiers: ClinVar variation 2363642 (VCV002363642.4), dbSNP rs758147597, ClinGen allele CA2656885.
Genomic context (GRCh38, chr3:147,396,413, plus strand): 5'-GGAGTCCATTCAAAGGACGGCTGGGGGAGGCCTGGGGAGGCTCCTCGTGGAGGCCCGGGA[A>C]CACCGAGGGGCTGGAGGCGGCGGTGAGCTGGGGGCCATGGTGTCCAGAGCTGCTACCTGT-3'
Protein context (NP_115529.2, residues 33-53): QLTAASSPSV[Phe43Val]PGLHEEPPQA

ClinVar aggregate classification (germline): Uncertain significance. Review status: criteria provided, multiple submitters, no conflicts (2 of 4 stars). 2 submissions from 2 submitters: Uncertain significance (2). Last evaluated 2024-11-05.

Allele frequency attached by ClinVar (database versions not stated): ExAC 0.00019.
gnomAD v4.1: 237 of 1,523,526 alleles (0.016%); highest among the groups gnomAD compares: Non-Finnish European, 0.018%; no homozygotes.

Submissions (2):

Labcorp Genetics (formerly Invitae), Labcorp
Classification: Uncertain significance. Last evaluated: 2024-11-05. Review status: criteria provided, single submitter. Criteria: Invitae Variant Classification Sherloc (09022015). Collection method: clinical testing. Allele origin: germline.
Comment: This sequence change replaces phenylalanine, which is neutral and non-polar, with valine, which is neutral and non-polar, at codon 93 of the ZIC4 protein (p.Phe93Val). This variant is present in population databases (rs758147597, gnomAD 0.02%). This variant has not been reported in the literature in individuals affected with ZIC4-related conditions. ClinVar contains an entry for this variant (Variation ID: 2363642). An algorithm developed to predict the effect of missense changes on protein structure and function (PolyPhen-2) suggests that this variant is likely to be tolerated. In summary, the available evidence is currently insufficient to determine the role of this variant in disease. Therefore, it has been classified as a Variant of Uncertain Significance.

Ambry Genetics
Classification: Uncertain significance. Last evaluated: 2022-12-06. Review status: criteria provided, single submitter. Criteria: Ambry Variant Classification Scheme 2023. Collection method: clinical testing. Allele origin: germline.